The following is an entry in ClinVar:

ClinVar aggregate classification (germline): Uncertain significance (1 of 4 stars; one submission).

Submission:

Dasa
Classification: Uncertain significance. Last evaluated: 2026-06-24. Review status: criteria provided, single submitter. Criteria: DASA Assertion Criteria. Collection method: clinical testing. Allele origin: germline.
Comment: NM_207361.6(FREM2):c.7541C>T (p.Pro2514Leu) is a missense variant that results in the substitution of proline with leucine. This variant is absent from population databases. Computational prediction algorithms are consistent with a benign effect. The currently available literature and clinical evidence are not sufficient to establish a definitive association between this variant and the reported condition. Therefore, this variant is classified as a variant of uncertain significance.

NM_207361.6(FREM2):c.7541C>T (p.Pro2514Leu)

Gene: FREM2 (FRAS1 related extracellular matrix 2; plus strand). Cytogenetic location: 13q13.3.
Variant type: single nucleotide variant.
Coding change: c.7541C>T on transcript NM_207361.6 (MANE Select); coding-DNA position 7541, C replaced by T.
Protein change: p.Pro2514Leu; replaces proline 2514 with leucine.
Molecular consequence: missense variant.
Genome position (GRCh38, 1-based): chr13:38,861,452, C>T. VCF-style: chr13-38861452-C-T. GRCh37 (hg19) VCF-style: chr13-39435589-C-T.
Other names: short protein forms P2514L.
Identifiers: ClinVar variation 5020312 (VCV005020312.1).